The following is an entry in ClinVar:

ClinVar aggregate classification (germline): Uncertain significance (1 of 4 stars; one submission).

Conditions:
Epidermolysis bullosa simplex 5B, with muscular dystrophy (EBS5B). Also called: Epidermolysis bullosa simplex with muscular dystrophy; EPIDERMOLYSIS BULLOSA SIMPLEX AND LIMB-GIRDLE MUSCULAR DYSTROPHY. Identifiers: Orphanet 257, MedGen C2931072, MONDO:0009181, OMIM 226670.
Epidermolysis bullosa simplex, Ogna type (EBS5A). Also called: Pidermolysis bullosa simplex 5A, Ogna type; EPIDERMOLYSIS BULLOSA SIMPLEX 5A, OGNA TYPE. Identifiers: Orphanet 79401, MedGen C0432317, MONDO:0007555, OMIM 131950.
Autosomal recessive limb-girdle muscular dystrophy type 2Q (LGMDR17). Also called: MUSCULAR DYSTROPHY, LIMB-GIRDLE, AUTOSOMAL RECESSIVE 17. Identifiers: Orphanet 254361, MedGen C3150989, MONDO:0013390, OMIM 613723.
Epidermolysis bullosa simplex with nail dystrophy (EBS5D). Identifiers: MedGen C4225309, MONDO:0014661, OMIM 616487.
Epidermolysis bullosa simplex 5C, with pyloric atresia (EBS5C). Also called: Epidermolysis bullosa simplex with pyloric atresia; PLEC-Related Epidermolysis Bullosa with Pyloric Atresia; PLEC1-Related Epidermolysis Bullosa with Pyloric Atresia. Identifiers: Orphanet 158684, MedGen C2677349, MONDO:0012807, OMIM 612138.

Allele frequency attached by ClinVar (database versions not stated): gnomAD exomes below 0.00001 and 0.00002; TOPMed below 0.00001.
gnomAD v4.1: 27 of 1,614,148 alleles (0.0017%); highest among the groups gnomAD compares: East Asian, 0.0045%; no homozygotes.

Submission:

Labcorp Genetics (formerly Invitae), Labcorp
Classification: Uncertain significance for Autosomal recessive limb-girdle muscular dystrophy type 2Q; Epidermolysis bullosa simplex, Ogna type; Epidermolysis bullosa simplex with nail dystrophy; Epidermolysis bullosa simplex 5C, with pyloric atresia; Epidermolysis bullosa simplex 5B, with muscular dystrophy. Last evaluated: 2023-12-31. Review status: criteria provided, single submitter. Criteria: Invitae Variant Classification Sherloc (09022015). Collection method: clinical testing. Allele origin: germline.
Comment: This sequence change replaces leucine, which is neutral and non-polar, with phenylalanine, which is neutral and non-polar, at codon 2889 of the PLEC protein (p.Leu2889Phe). This variant is present in population databases (rs781795243, gnomAD 0.0009%). This variant has not been reported in the literature in individuals affected with PLEC-related conditions. ClinVar contains an entry for this variant (Variation ID: 959541). An algorithm developed to predict the effect of missense changes on protein structure and function (PolyPhen-2) suggests that this variant is likely to be disruptive. In summary, the available evidence is currently insufficient to determine the role of this variant in disease. Therefore, it has been classified as a Variant of Uncertain Significance.

NM_201384.3(PLEC):c.8584C>T (p.Leu2862Phe)

Gene: PLEC (plectin; minus strand). Cytogenetic location: 8q24.3.
Variant type: single nucleotide variant.
Coding change: c.8584C>T on transcript NM_201384.3 (MANE Select); coding-DNA position 8584, C replaced by T.
Protein change: p.Leu2862Phe; replaces leucine 2862 with phenylalanine.
Molecular consequence: missense variant.
Genome position (GRCh38, 1-based): chr8:143,921,237, G>A on the plus strand (C>T on the coding strand, the complement: PLEC is on the minus strand). VCF-style: chr8-143921237-G-A. GRCh37 (hg19) VCF-style: chr8-144995405-G-A.
Other names: c.8665C>T, p.Leu2889Phe (NM_000445.5); c.8542C>T, p.Leu2848Phe (NM_201378.4); c.8518C>T, p.Leu2840Phe (NM_201379.3); c.8995C>T, p.Leu2999Phe (NM_201380.4); c.8488C>T, p.Leu2830Phe (NM_201381.3); c.8584C>T, p.Leu2862Phe (NM_201382.4); c.8596C>T, p.Leu2866Phe (NM_201383.3); short protein forms L2840F, L2848F, L2999F, L2830F, L2862F, L2866F, L2889F.
Identifiers: ClinVar variation 959541 (VCV000959541.6), dbSNP rs781795243, ClinGen allele CA187611968.
Genomic context (GRCh38, chr8:143,921,237, plus strand): 5'-GAAGGCACAGGCCCGTCTCGGGGTCCTCCACGCAGCGCTCCAGTAGCTGCAGGTACGTGA[G>A]GTTCTCGTGCGTGTTGGGGTCAAAGAAGCCCTTGGTGTCGTCGCTGGGGTCCGCCAGGAC-3'
Protein context (NP_958786.1, residues 2852-2872): GFFDPNTHEN[Leu2862Phe]TYLQLLERCV